The following is an entry in ClinVar:

ClinVar aggregate classification (germline): Uncertain significance (1 of 4 stars; one submission).

Conditions:
Werner syndrome (WRN). Identifiers: Orphanet 902, MedGen C0043119, MONDO:0010196, OMIM 277700.

gnomAD v4.1: 2 of 1,612,338 alleles (0.00012%); highest among the groups gnomAD compares: East Asian, 0.0045%; no homozygotes.

Submission:

Labcorp Genetics (formerly Invitae), Labcorp
Classification: Uncertain significance for Werner syndrome. Last evaluated: 2022-09-15. Review status: criteria provided, single submitter. Criteria: Invitae Variant Classification Sherloc (09022015). Collection method: clinical testing. Allele origin: germline.
Comment: This sequence change falls in intron 11 of the WRN gene. It does not directly change the encoded amino acid sequence of the WRN protein. It affects a nucleotide within the consensus splice site. This variant is not present in population databases (gnomAD no frequency). This variant has not been reported in the literature in individuals affected with WRN-related conditions. Variants that disrupt the consensus splice site are a relatively common cause of aberrant splicing (PMID: 17576681, 9536098). Algorithms developed to predict the effect of sequence changes on RNA splicing suggest that this variant may disrupt the consensus splice site. In summary, the available evidence is currently insufficient to determine the role of this variant in disease. Therefore, it has been classified as a Variant of Uncertain Significance.

Literature cited by the submitters: PubMed 17576681; PubMed 9536098.

NM_000553.6(WRN):c.1431+5G>T

Gene: WRN (WRN RecQ like helicase; plus strand). Cytogenetic location: 8p12.
Variant type: single nucleotide variant.
Coding change: c.1431+5G>T on transcript NM_000553.6 (MANE Select); 5 bases into the intron after coding-DNA position 1431, G replaced by T.
Molecular consequence: intron variant.
Genome position (GRCh38, 1-based): chr8:31,085,251, G>T. VCF-style: chr8-31085251-G-T. GRCh37 (hg19) VCF-style: chr8-30942767-G-T.
Identifiers: ClinVar variation 2413411 (VCV002413411.6), dbSNP rs570970106, ClinGen allele CA2580078111.
Genomic context (GRCh38, chr8:31,085,251, plus strand): 5'-ACGATACGTCCTATGTAATTGAGAGTGATGAAGATTTAGAAATGGAGATGCTTAAGGTAT[G>T]TTTACAATTATAAAAACATTACTTCAAGTTCTTTCCAAAGGACATTTAATTAAGTAAAAT-3'